The following is an entry in ClinVar:

NM_001854.4(COL11A1):c.*1203G>A

Gene: COL11A1 (collagen type XI alpha 1 chain; minus strand). Cytogenetic location: 1p21.1.
Variant type: single nucleotide variant.
Coding change: c.*1203G>A on transcript NM_001854.4 (MANE Select); 1203 bases downstream of the stop codon, G replaced by A.
Molecular consequence: 3 prime UTR variant. On other transcripts: non-coding transcript variant (1).
Genome position (GRCh38, 1-based): chr1:102,876,816, C>T on the plus strand (G>A on the coding strand, the complement: COL11A1 is on the minus strand). VCF-style: chr1-102876816-C-T. GRCh37 (hg19) VCF-style: chr1-103342372-C-T.
Other names: c.*1203G>A (NM_001190709.2, NM_080629.3, NM_080630.4).
Identifiers: ClinVar variation 291476 (VCV000291476.34), dbSNP rs190577885, ClinGen allele CA10607205.

ClinVar aggregate classification (germline): Conflicting classifications of pathogenicity. Review status: criteria provided, conflicting classifications (1 of 4 stars). 4 submissions from 3 submitters: Uncertain significance (1); Likely benign (3). Last evaluated 2023-04-01.

Conditions:
Fibrochondrogenesis 1 (FBCG1). Identifiers: Orphanet 2021, MedGen C3278138, MONDO:0009226, OMIM 228520.
Stickler syndrome type 2 (STL2). Also called: STICKLER SYNDROME, BEADED VITREOUS TYPE; STICKLER SYNDROME, VITREOUS TYPE 2; COL11A1-Related Stickler Syndrome; STICKLER SYNDROME, TYPE II. Identifiers: Orphanet 828, Orphanet 90654, MedGen C1858084, MONDO:0011493, OMIM 604841.

Allele frequency attached by ClinVar (database versions not stated): 1000 Genomes Project 30x 0.00312; 1000 Genomes Project 0.00319; TOPMed 0.00430; gnomAD 0.00539 and 0.00554; gnomAD exomes 0.01250.
gnomAD v4.1: 818 of 152,186 alleles (0.54%); highest among the groups gnomAD compares: Non-Finnish European, 0.82%; 4 homozygotes.

Submissions (4):

CeGaT Center for Human Genetics Tuebingen
Classification: Likely benign. Last evaluated: 2023-04-01. Review status: criteria provided, single submitter. Criteria: CeGaT Center For Human Genetics Tuebingen Variant Classification Criteria Version 2. Collection method: clinical testing. Allele origin: germline. Affected: yes. Observed: 9 variant alleles.
Comment: COL11A1: BS2

GeneDx
Classification: Likely benign. Last evaluated: 2021-05-12. Review status: criteria provided, single submitter. Criteria: GeneDx Variant Classification Process June 2021. Collection method: clinical testing. Allele origin: germline. Affected: yes.

Illumina Laboratory Services, Illumina
Classification: Likely benign for Stickler syndrome type 2. Last evaluated: 2018-01-12. Review status: criteria provided, single submitter. Criteria: ICSL Variant Classification Criteria 13 December 2019. Collection method: clinical testing. Allele origin: germline.
Comment: This variant was observed in the ICSL laboratory as part of a predisposition screen in an ostensibly healthy population. It had not been previously curated by ICSL or reported in the Human Gene Mutation Database (HGMD: prior to June 1st, 2018), and was therefore a candidate for classification through an automated scoring system. Utilizing variant allele frequency, disease prevalence and penetrance estimates, and inheritance mode, an automated score was calculated to assess if this variant is too frequent to cause the disease. Based on the score and internal cut-off values, a variant classified as likely benign is not then subjected to further curation. The score for this variant resulted in a classification of likely benign for this disease.

Illumina Laboratory Services, Illumina
Classification: Uncertain significance for Fibrochondrogenesis 1. Last evaluated: 2018-01-12. Review status: criteria provided, single submitter. Criteria: ICSL Variant Classification Criteria 13 December 2019. Collection method: clinical testing. Allele origin: germline.